The following is an entry in ClinVar:

ClinVar aggregate classification (germline): Uncertain significance (1 of 4 stars; one submission).

Conditions:
Dyskeratosis congenita, autosomal dominant 6 (DKCA6). Identifiers: Orphanet 3322, MedGen C4225284, MONDO:0014690, OMIM 616553.

Submission:

Labcorp Genetics (formerly Invitae), Labcorp
Classification: Uncertain significance for Dyskeratosis congenita, autosomal dominant 6. Last evaluated: 2022-09-21. Review status: criteria provided, single submitter. Criteria: Invitae Variant Classification Sherloc (09022015). Collection method: clinical testing. Allele origin: germline.
Comment: This variant has not been reported in the literature in individuals affected with ACD-related conditions. This variant is not present in population databases (gnomAD no frequency). This sequence change replaces serine, which is neutral and polar, with cysteine, which is neutral and slightly polar, at codon 397 of the ACD protein (p.Ser397Cys). In summary, the available evidence is currently insufficient to determine the role of this variant in disease. Therefore, it has been classified as a Variant of Uncertain Significance. Advanced modeling of protein sequence and biophysical properties (such as structural, functional, and spatial information, amino acid conservation, physicochemical variation, residue mobility, and thermodynamic stability) performed at Invitae indicates that this missense variant is not expected to disrupt ACD protein function.

NM_001082486.2(ACD):c.931A>T (p.Ser311Cys)

Gene: ACD (ACD shelterin complex subunit and telomerase recruitment factor; minus strand). Cytogenetic location: 16q22.1.
Variant type: single nucleotide variant.
Coding change: c.931A>T on transcript NM_001082486.2 (MANE Select); coding-DNA position 931, A replaced by T.
Protein change: p.Ser311Cys; replaces serine 311 with cysteine.
Molecular consequence: missense variant.
Genome position (GRCh38, 1-based): chr16:67,658,261, T>A on the plus strand (A>T on the coding strand, the complement: ACD is on the minus strand). VCF-style: chr16-67658261-T-A. GRCh37 (hg19) VCF-style: chr16-67692164-T-A.
Other names: c.844A>T, p.Ser282Cys (NM_001410884.1); c.922A>T, p.Ser308Cys (NM_022914.3); short protein forms S282C, S308C, S311C.
Identifiers: ClinVar variation 1720001 (VCV001720001.5), dbSNP rs2543599406, ClinGen allele CA396352753.